The following is an entry in ClinVar:

ClinVar aggregate classification (germline): Uncertain significance. Review status: criteria provided, multiple submitters, no conflicts (2 of 4 stars). 2 submissions from 2 submitters: Uncertain significance (2). Last evaluated 2024-10-12.

Conditions:
Eiken syndrome (EKNS). Also called: BONE MODELING DEFECT OF HANDS AND FEET. Identifiers: Orphanet 79106, MedGen C1838779, MONDO:0010803, OMIM 600002.
Metaphyseal chondrodysplasia, Jansen type. Also called: PTH1R-Related Jansen Metaphyseal Chondrodysplasia; Metaphyseal chondrodysplasia Murk Jansen type. Identifiers: Orphanet 33067, MedGen C0265295, MONDO:0007982, OMIM 156400.
Primary failure of tooth eruption. Also called: PRIMARY RETENTION OF TEETH; UNERUPTED SECOND PRIMARY MOLAR; DENTAL NONERUPTION; POSTERIOR OPENBITE MALOCCLUSION, FAMILIAL. Identifiers: Orphanet 412206, MedGen C1852222, MONDO:0007434, OMIM 125350.
Chondrodysplasia Blomstrand type (BOCD). Identifiers: Orphanet 50945, MedGen C1859148, MONDO:0008970, OMIM 215045.

Allele frequency attached by ClinVar (database versions not stated): ExAC 0.00004; gnomAD exomes 0.00004; gnomAD 0.00006; TOPMed 0.00006; ESP Exome Variant Server 0.00008.
gnomAD v4.1: 119 of 1,613,392 alleles (0.0074%); highest among the groups gnomAD compares: Non-Finnish European, 0.0082%; no homozygotes.

Submissions (2):

Labcorp Genetics (formerly Invitae), Labcorp
Classification: Uncertain significance. Last evaluated: 2024-10-12. Review status: criteria provided, single submitter. Criteria: Invitae Variant Classification Sherloc (09022015). Collection method: clinical testing. Allele origin: germline.
Comment: This sequence change falls in intron 7 of the PTH1R gene. It does not directly change the encoded amino acid sequence of the PTH1R protein. It affects a nucleotide within the consensus splice site. This variant is present in population databases (rs199829955, gnomAD 0.02%). This variant has not been reported in the literature in individuals affected with PTH1R-related conditions. ClinVar contains an entry for this variant (Variation ID: 1046655). Variants that disrupt the consensus splice site are a relatively common cause of aberrant splicing (PMID: 17576681, 9536098). Algorithms developed to predict the effect of sequence changes on RNA splicing suggest that this variant may create or strengthen a splice site. In summary, the available evidence is currently insufficient to determine the role of this variant in disease. Therefore, it has been classified as a Variant of Uncertain Significance.

Fulgent Genetics
Classification: Uncertain significance for Primary failure of tooth eruption; Metaphyseal chondrodysplasia, Jansen type; Chondrodysplasia Blomstrand type; Eiken syndrome. Last evaluated: 2024-01-16. Review status: criteria provided, single submitter. Criteria: ACMG Guidelines, 2015. Collection method: clinical testing. Allele origin: germline.

Literature cited by the submitters: PubMed 17576681 (cited by Labcorp Genetics (formerly Invitae), Labcorp); PubMed 9536098 (cited by Labcorp Genetics (formerly Invitae), Labcorp).

NM_000316.3(PTH1R):c.543+4C>T

Gene: PTH1R (parathyroid hormone 1 receptor; plus strand). Cytogenetic location: 3p21.31.
Variant type: single nucleotide variant.
Coding change: c.543+4C>T on transcript NM_000316.3 (MANE Select); 4 bases into the intron after coding-DNA position 543, C replaced by T.
Molecular consequence: intron variant.
Genome position (GRCh38, 1-based): chr3:46,898,196, C>T. VCF-style: chr3-46898196-C-T. GRCh37 (hg19) VCF-style: chr3-46939686-C-T.
Other names: c.543+4C>T (NM_001184744.1).
Identifiers: ClinVar variation 1046655 (VCV001046655.7), dbSNP rs199829955, ClinGen allele CA2359210.
Genomic context (GRCh38, chr3:46,898,196, plus strand): 5'-ACGTGGGCCAACTACAGCGAGTGTGTCAAATTTCTCACCAATGAGACTCGTGAACGGGTG[C>T]GAGCCTTTCTCCTCCCCAACCTGACCAGGATAAATTCACTCCCACCCCACGGGTGACCCC-3'